The following is an entry in ClinVar:

ClinVar aggregate classification (germline): Likely benign. Review status: criteria provided, multiple submitters, no conflicts (2 of 4 stars). 5 submissions from 5 submitters: Likely benign (5). Last evaluated 2025-12-07.

Conditions:
Familial hypercholesterolemia. Also called: Familial hypercholesterolemias; Familial hypercholesterolaemia. Identifiers: MedGen C0020445, MONDO:0005439.
Hypercholesterolemia, autosomal dominant, 3 (FHCL3). Also called: Familial Hypercholesterolemia, Autosomal Dominant, 3; PCSK9-Related Familial Hypercholesterolemia, Autosomal Dominant; Familial hypercholesterolemia 3. Identifiers: MedGen C1863551, MONDO:0011369, OMIM 603776.
Cardiovascular phenotype. Identifiers: MedGen CN230736.

Allele frequency attached by ClinVar (database versions not stated): ExAC 0.00002; gnomAD exomes 0.00002 and 0.00003; gnomAD 0.00003; TOPMed 0.00003; ESP Exome Variant Server 0.00008.
gnomAD v4.1: 26 of 1,614,058 alleles (0.0016%); highest among the groups gnomAD compares: Non-Finnish European, 0.0021%; no homozygotes.

Submissions (5):

Labcorp Genetics (formerly Invitae), Labcorp
Classification: Likely benign for Hypercholesterolemia, autosomal dominant, 3. Last evaluated: 2025-12-07. Review status: criteria provided, single submitter. Criteria: Invitae Variant Classification Sherloc (09022015). Collection method: clinical testing. Allele origin: germline.

All of Us Research Program, National Institutes of Health
Classification: Likely benign for Hypercholesterolemia, autosomal dominant, 3. Last evaluated: 2023-12-18. Review status: criteria provided, single submitter. Criteria: ACMG Guidelines, 2015. Collection method: clinical testing. Allele origin: germline. Inheritance: Autosomal dominant inheritance. Observed: 19 variant alleles, 19 heterozygotes.
Comment: This study involves interpretation of variants in research participants for the purpose of population health screening. Participant phenotype was not available at the time of variant classification. Additional details can be found in publication PMID: 35346344, PMCID: PMC8962531

Women's Health and Genetics/Laboratory Corporation of America, LabCorp
Classification: Likely benign. Last evaluated: 2019-08-29. Review status: criteria provided, single submitter. Criteria: LabCorp Variant Classification Summary - May 2015. Collection method: clinical testing. Allele origin: germline.

Ambry Genetics
Classification: Likely benign for Cardiovascular phenotype. Last evaluated: 2019-07-17. Review status: criteria provided, single submitter. Criteria: Ambry Variant Classification Scheme 2023. Collection method: clinical testing. Allele origin: germline.

Color Diagnostics, LLC DBA Color Health
Classification: Likely benign for Familial hypercholesterolemia. Last evaluated: 2018-07-16. Review status: criteria provided, single submitter. Criteria: ACMG Guidelines, 2015. Collection method: clinical testing. Allele origin: germline.

NM_174936.4(PCSK9):c.228C>T (p.Gly76=)

Gene: PCSK9 (proprotein convertase subtilisin/kexin type 9; plus strand). Cytogenetic location: 1p32.3.
Variant type: single nucleotide variant.
Coding change: c.228C>T on transcript NM_174936.4 (MANE Select); coding-DNA position 228, C replaced by T.
Protein change: p.Gly76=; no amino-acid change (glycine 76 retained).
Molecular consequence: synonymous variant.
Genome position (GRCh38, 1-based): chr1:55,043,863, C>T. VCF-style: chr1-55043863-C-T. GRCh37 (hg19) VCF-style: chr1-55509536-C-T.
Identifiers: ClinVar variation 633348 (VCV000633348.25), dbSNP rs376554821, ClinGen allele CA040909.
Genomic context (GRCh38, chr1:55,043,863, plus strand): 5'-TTTCTTCCATGTCATCATGTTCCTCCTTGCATGGGGCCAGGATCCGTGGAGGTTGCCTGG[C>T]ACCTACGTGGTGGTGCTGAAGGAGGAGACCCACCTCTCGCAGTCAGAGCGCACTGCCCGC-3'
Protein context (NP_777596.2, residues 66-86): RCAKDPWRLP[Gly76=]TYVVVLKEET